The following is an entry in ClinVar:

NM_003242.6(TGFBR2):c.358A>G (p.Lys120Glu)

Gene: TGFBR2 (transforming growth factor beta receptor 2; plus strand). Cytogenetic location: 3p24.1.
Variant type: single nucleotide variant.
Coding change: c.358A>G on transcript NM_003242.6 (MANE Select); coding-DNA position 358, A replaced by G.
Protein change: p.Lys120Glu; replaces lysine 120 with glutamic acid.
Molecular consequence: missense variant.
Genome position (GRCh38, 1-based): chr3:30,650,364, A>G. VCF-style: chr3-30650364-A-G. GRCh37 (hg19) VCF-style: chr3-30691856-A-G.
Other names: c.433A>G, p.Lys145Glu (NM_001024847.3, NM_001407126.1, NM_001407139.1); c.358A>G, p.Lys120Glu (NM_001407127.1, NM_001407130.1); c.385A>G, p.Lys129Glu (NM_001407128.1); c.253A>G, p.Lys85Glu (NM_001407129.1, NM_001407132.1, NM_001407133.1 and 3 more transcripts); short protein forms K145E, K120E, K85E, K129E.
Identifiers: ClinVar variation 1423123 (VCV001423123.8), dbSNP rs2125410292, ClinGen allele CA351806904.

ClinVar aggregate classification (germline): Uncertain significance. Review status: criteria provided, multiple submitters, no conflicts (2 of 4 stars). 2 submissions from 2 submitters: Uncertain significance (2). Last evaluated 2024-01-11.

Conditions:
Familial thoracic aortic aneurysm and aortic dissection (TAAD). Also called: Thoracic aortic aneurysms and dissections. Identifiers: Orphanet 91387, MedGen C4707243, MONDO:0019625.
Loeys-Dietz syndrome 2 (LDS2). Also called: TGFBR2-Related Loeys-Dietz Syndrome; Marfan Syndrome type 2; Marfan like connective tissue disorder; MFS 2; Marfan syndrome, type 2 (formerly); AORTIC ANEURYSM, FAMILIAL THORACIC 3. Identifiers: Orphanet 284973, Orphanet 558, MedGen C2674574, MONDO:0012427, OMIM 610168.

Submissions (2):

All of Us Research Program, National Institutes of Health
Classification: Uncertain significance for Loeys-Dietz syndrome 2. Last evaluated: 2024-01-11. Review status: criteria provided, single submitter. Criteria: ACMG Guidelines, 2015. Collection method: clinical testing. Allele origin: germline. Inheritance: Autosomal dominant inheritance. Observed: 1 variant allele, 1 heterozygote.
Comment: This study involves interpretation of variants in research participants for the purpose of population health screening. Participant phenotype was not available at the time of variant classification. Additional details can be found in publication PMID: 35346344, PMCID: PMC8962531

Labcorp Genetics (formerly Invitae), Labcorp
Classification: Uncertain significance for Familial thoracic aortic aneurysm and aortic dissection. Last evaluated: 2021-09-25. Review status: criteria provided, single submitter. Criteria: Invitae Variant Classification Sherloc (09022015). Collection method: clinical testing. Allele origin: germline.
Comment: This sequence change replaces lysine with glutamic acid at codon 120 of the TGFBR2 protein (p.Lys120Glu). The lysine residue is moderately conserved and there is a small physicochemical difference between lysine and glutamic acid. This variant is not present in population databases (ExAC no frequency). This variant has not been reported in the literature in individuals affected with TGFBR2-related conditions. Advanced modeling of protein sequence and biophysical properties (such as structural, functional, and spatial information, amino acid conservation, physicochemical variation, residue mobility, and thermodynamic stability) performed at Invitae indicates that this missense variant is not expected to disrupt TGFBR2 protein function. Algorithms developed to predict the effect of sequence changes on RNA splicing suggest that this variant may create or strengthen a splice site. In summary, the available evidence is currently insufficient to determine the role of this variant in disease. Therefore, it has been classified as a Variant of Uncertain Significance.